The following is an entry in ClinVar:

ClinVar aggregate classification (germline): Uncertain significance. Review status: criteria provided, multiple submitters, no conflicts (2 of 4 stars). 4 submissions from 4 submitters: Uncertain significance (4). Last evaluated 2026-01-19.

Conditions:
Hereditary cancer-predisposing syndrome. Also called: Tumor predisposition; Hereditary Cancer Syndrome; Hereditary neoplastic syndrome; Neoplastic Syndromes, Hereditary. Identifiers: Orphanet 140162, MedGen C0027672, MeSH D009386, MONDO:0015356.
POLD1-related polyposis and colorectal cancer syndrome (CRCS10). Also called: Colorectal cancer 10; COLORECTAL CANCER, SUSCEPTIBILITY TO, ON CHROMOSOME 19q; Colorectal cancer, susceptibility to, 10. Identifiers: Orphanet 220460, MedGen C2675481, MONDO:0012953, OMIM 612591.

Allele frequency attached by ClinVar (database versions not stated): gnomAD exomes below 0.00001; TOPMed below 0.00001; gnomAD 0.00002.
gnomAD v4.1: 5 of 1,613,894 alleles (0.00031%); highest among the groups gnomAD compares: African/African-American, 0.0067%; no homozygotes.

Submissions (4):

Labcorp Genetics (formerly Invitae), Labcorp
Classification: Uncertain significance for POLD1-related polyposis and colorectal cancer syndrome. Last evaluated: 2026-01-19. Review status: criteria provided, single submitter. Criteria: Invitae Variant Classification Sherloc (09022015). Collection method: clinical testing. Allele origin: germline.
Comment: This sequence change replaces glutamine, which is neutral and polar, with leucine, which is neutral and non-polar, at codon 456 of the POLD1 protein (p.Gln456Leu). This variant is present in population databases (no rsID available, gnomAD 0.02%). This variant has not been reported in the literature in individuals affected with POLD1-related conditions. ClinVar contains an entry for this variant (Variation ID: 484419). Invitae Evidence Modeling of protein sequence and biophysical properties (such as structural, functional, and spatial information, amino acid conservation, physicochemical variation, residue mobility, and thermodynamic stability) indicates that this missense variant is not expected to disrupt POLD1 protein function with a negative predictive value of 80%. In summary, the available evidence is currently insufficient to determine the role of this variant in disease. Therefore, it has been classified as a Variant of Uncertain Significance.

Ambry Genetics
Classification: Uncertain significance for Hereditary cancer-predisposing syndrome. Last evaluated: 2025-11-25. Review status: criteria provided, single submitter. Criteria: Ambry Variant Classification Scheme 2023. Collection method: clinical testing. Allele origin: germline.
Comment: The p.Q456L variant (also known as c.1367A>T), located in coding exon 10 of the POLD1 gene, results from an A to T substitution at nucleotide position 1367. The glutamine at codon 456 is replaced by leucine, an amino acid with dissimilar properties. This amino acid position is well conserved in available vertebrate species. In addition, this alteration is predicted to be tolerated by in silico analysis. Since supporting evidence is limited at this time, the clinical significance of this alteration remains unclear.

GeneDx
Classification: Uncertain significance. Last evaluated: 2020-10-30. Review status: criteria provided, single submitter. Criteria: GeneDx Variant Classification Process June 2021. Collection method: clinical testing. Allele origin: germline. Affected: yes.
Comment: In silico analysis supports that this missense variant has a deleterious effect on protein structure/function; Has not been previously published as pathogenic or benign to our knowledge

Quest Diagnostics Nichols Institute San Juan Capistrano
Classification: Uncertain significance. Last evaluated: 2019-11-20. Review status: criteria provided, single submitter. Criteria: Quest Diagnostics criteria. Collection method: clinical testing. Allele origin: unknown.

NM_002691.4(POLD1):c.1367A>T (p.Gln456Leu)

Gene: POLD1 (DNA polymerase delta 1, catalytic subunit; plus strand). Cytogenetic location: 19q13.33.
Variant type: single nucleotide variant.
Coding change: c.1367A>T on transcript NM_002691.4 (MANE Select); coding-DNA position 1367, A replaced by T.
Protein change: p.Gln456Leu; replaces glutamine 456 with leucine.
Molecular consequence: missense variant. On other transcripts: non-coding transcript variant (1).
Genome position (GRCh38, 1-based): chr19:50,406,306, A>T. VCF-style: chr19-50406306-A-T. GRCh37 (hg19) VCF-style: chr19-50909563-A-T.
Other names: c.1367A>T, p.Gln456Leu (NM_001256849.1, NM_001308632.1); short protein forms Q456L.
Identifiers: ClinVar variation 484419 (VCV000484419.17), dbSNP rs1157114471, ClinGen allele CA406979959.
Genomic context (GRCh38, chr19:50,406,306, plus strand): 5'-TCCAGTCCAAGCAGACGGGCCGGCGGGACACCAAGGTTGTCAGCATGGTGGGCCGCGTGC[A>T]GATGGACATGCTGCAGGTATGGGCGGGAGGTGGGGTGTGTCCCTGTCCTTGGAAGGCCAC-3'
Protein context (NP_002682.2, residues 446-466): TKVVSMVGRV[Gln456Leu]MDMLQVLLRE